The following is an entry in ClinVar:

ClinVar aggregate classification (germline): Uncertain significance. Review status: criteria provided, multiple submitters, no conflicts (2 of 4 stars). 2 submissions from 2 submitters: Uncertain significance (2). Last evaluated 2024-01-08.

Allele frequency attached by ClinVar (database versions not stated): ExAC 0.00001; gnomAD 0.00001; TOPMed 0.00003; gnomAD exomes 0.00005; ESP Exome Variant Server 0.00008.
gnomAD v4.1: 82 of 1,611,808 alleles (0.0051%); highest among the groups gnomAD compares: Non-Finnish European, 0.0064%; no homozygotes.

Submissions (2):

Labcorp Genetics (formerly Invitae), Labcorp
Classification: Uncertain significance. Last evaluated: 2024-01-08. Review status: criteria provided, single submitter. Criteria: Invitae Variant Classification Sherloc (09022015). Collection method: clinical testing. Allele origin: germline.
Comment: This sequence change replaces alanine, which is neutral and non-polar, with valine, which is neutral and non-polar, at codon 176 of the GATA3 protein (p.Ala176Val). This variant is present in population databases (rs145577748, gnomAD 0.005%). This variant has not been reported in the literature in individuals affected with GATA3-related conditions. Advanced modeling of protein sequence and biophysical properties (such as structural, functional, and spatial information, amino acid conservation, physicochemical variation, residue mobility, and thermodynamic stability) performed at Invitae indicates that this missense variant is not expected to disrupt GATA3 protein function with a negative predictive value of 80%. In summary, the available evidence is currently insufficient to determine the role of this variant in disease. Therefore, it has been classified as a Variant of Uncertain Significance.

Blueprint Genetics
Classification: Uncertain significance. Last evaluated: 2023-09-23. Review status: criteria provided, single submitter. Criteria: ACMG Guidelines, 2015. Collection method: clinical testing. Allele origin: germline.

NM_001002295.2(GATA3):c.527C>T (p.Ala176Val)

Gene: GATA3 (GATA binding protein 3; plus strand). Cytogenetic location: 10p14.
Variant type: single nucleotide variant.
Coding change: c.527C>T on transcript NM_001002295.2 (MANE Select); coding-DNA position 527, C replaced by T.
Protein change: p.Ala176Val; replaces alanine 176 with valine.
Molecular consequence: missense variant.
Genome position (GRCh38, 1-based): chr10:8,058,590, C>T. VCF-style: chr10-8058590-C-T. GRCh37 (hg19) VCF-style: chr10-8100553-C-T.
Other names: c.527C>T, p.Ala176Val (NM_002051.3); short protein forms A176V.
Identifiers: ClinVar variation 2973212 (VCV002973212.4), dbSNP rs145577748, ClinGen allele CA5404391.